The following is an entry in ClinVar:

NM_000492.4(CFTR):c.3256A>G (p.Thr1086Ala)

Genes: CFTR (CF transmembrane conductance regulator; plus strand), CFTR-AS2 (CFTR antisense RNA 2; minus strand), LOC111674472 (DNase I hypersensitive sites in introns 16 and 17a of CFTR; plus strand). Cytogenetic location: 7q31.2.
Variant type: single nucleotide variant.
Coding change: c.3256A>G on transcript NM_000492.4 (MANE Select); coding-DNA position 3256, A replaced by G.
Protein change: p.Thr1086Ala; replaces threonine 1086 with alanine.
Molecular consequence: missense variant.
Genome position (GRCh38, 1-based): chr7:117,611,697, A>G. VCF-style: chr7-117611697-A-G. GRCh37 (hg19) VCF-style: chr7-117251751-A-G.
Other names: short protein forms T1086A.
Identifiers: ClinVar variation 871193 (VCV000871193.56), dbSNP rs373043500, ClinGen allele CA368992280.
Genomic context (GRCh38, chr7:117,611,697, plus strand): 5'-CGTGCCTTCGGACGGCAGCCTTACTTTGAAACTCTGTTCCACAAAGCTCTGAATTTACAT[A>G]CTGCCAACTGGTTCTTGTACCTGTCAACACTGCGCTGGTTCCAAATGAGAATAGAAATGA-3'
Protein context (NP_000483.3, residues 1076-1096): TLFHKALNLH[Thr1086Ala]ANWFLYLSTL

ClinVar aggregate classification (germline): Uncertain significance. Review status: criteria provided, multiple submitters, no conflicts (2 of 4 stars). 9 submissions from 9 submitters: Uncertain significance (8). 1 of the submissions does not count toward it. Last evaluated 2025-12-08.

Conditions:
CFTR-related disorder (CFTR-RD). Also called: CFTR-related disorders; CFTR-related condition. Identifiers: MedGen C5924204, MONDO:7770004.
Cystic fibrosis (CF). Also called: MUCOVISCIDOSIS. Identifiers: Orphanet 586, MedGen C0010674, MONDO:0009061, OMIM 219700. Disease mechanism: loss of function.

Allele frequency attached by ClinVar (database versions not stated): TOPMed 0.00002.
gnomAD v4.1: 4 of 1,613,426 alleles (0.00025%); highest among the groups gnomAD compares: Non-Finnish European, 0.00034%; no homozygotes.

Submissions (9):

Women's Health and Genetics/Laboratory Corporation of America, LabCorp
Classification: Uncertain significance. Last evaluated: 2025-12-08. Review status: criteria provided, single submitter. Criteria: LabCorp Variant Classification Summary - May 2015. Collection method: clinical testing. Allele origin: germline.
Comment: Variant summary: CFTR c.3256A>G (p.Thr1086Ala) results in a non-conservative amino acid change located in the ABC transporter type 1, transmembrane domain (IPR011527) of the encoded protein sequence. Algorithms developed to predict the effect of missense changes on protein structure and function all suggest that this variant is likely to be disruptive. The variant allele was found at a frequency of 8e-06 in 251316 control chromosomes. c.3256A>G has been observed in an individual affected with equivocal Cystic Fibrosis (Torresani_2013). This report does not provide unequivocal conclusions about association of the variant with Cystic Fibrosis. At least one publication reports experimental evidence evaluating an impact on protein function. The most pronounced variant effect resulted in approximately 22% of normal chloride channel conductance relative to wild type (e.g., Bihler_2024). The following publications have been ascertained in the context of this evaluation (PMID: 16126774, 20977904, 23712087, 38388235). ClinVar contains an entry for this variant (Variation ID: 871193). Based on the evidence outlined above, the variant was classified as VUS-possibly pathogenic.

Institute of Human Genetics, University of Leipzig Medical Center
Classification: Uncertain significance for Cystic fibrosis. Last evaluated: 2025-06-02. Review status: criteria provided, single submitter. Criteria: ACMG Guidelines, 2015. Collection method: clinical testing. Allele origin: unknown. Inheritance: Autosomal recessive inheritance. Affected: yes.
Comment: Criteria applied: PM2_SUP,PM3_SUP,PP3

Ambry Genetics
Classification: Uncertain significance for Cystic fibrosis. Last evaluated: 2025-05-09. Review status: criteria provided, single submitter. Criteria: Ambry Variant Classification Scheme 2023. Collection method: clinical testing. Allele origin: germline.
Comment: The p.T1086A variant (also known as c.3256A>G), located in coding exon 20 of the CFTR gene, results from an A to G substitution at nucleotide position 3256. The threonine at codon 1086 is replaced by alanine, an amino acid with similar properties. This alteration was identified in a child with a sweat chloride of 35 mmol/l. This individual also carries T5 (phase unknown) and the authors diagnosed the child with equivocal cystic fibrosis (Torresani T et al. J Cyst Fibros, 2013 Dec;12:667-74). This amino acid position is highly conserved in available vertebrate species. In addition, this alteration is predicted to be deleterious by in silico analysis. Based on the available evidence, the clinical significance of this variant remains unclear.

MGZ Medical Genetics Center
Classification: Uncertain significance for Cystic fibrosis. Last evaluated: 2022-02-02. Review status: criteria provided, single submitter. Criteria: ACMG Guidelines, 2015. Collection method: clinical testing. Allele origin: germline. Affected: yes. Observed: 1 variant allele.
Comment: ACMG criteria applied: PM1, PS4_SUP, PM2_SUP, PP3

Genome-Nilou Lab
Classification: Uncertain significance for Cystic fibrosis. Last evaluated: 2021-09-05. Review status: criteria provided, single submitter. Criteria: ACMG Guidelines, 2015. Collection method: clinical testing. Allele origin: germline. Affected: no.

Labcorp Genetics (formerly Invitae), Labcorp
Classification: Uncertain significance for Cystic fibrosis. Last evaluated: 2021-09-01. Review status: criteria provided, single submitter. Criteria: Invitae Variant Classification Sherloc (09022015). Collection method: clinical testing. Allele origin: germline.
Comment: This sequence change replaces threonine with alanine at codon 1086 of the CFTR protein (p.Thr1086Ala). The threonine residue is highly conserved and there is a small physicochemical difference between threonine and alanine. This variant is not present in population databases (ExAC no frequency). This missense change has been observed in individual(s) with equivocal cystic fibrosis (PMID: 23712087). ClinVar contains an entry for this variant (Variation ID: 871193). Algorithms developed to predict the effect of missense changes on protein structure and function are either unavailable or do not agree on the potential impact of this missense change (SIFT: "Tolerated"; PolyPhen-2: "Possibly Damaging"; Align-GVGD: "Class C0"). In summary, the available evidence is currently insufficient to determine the role of this variant in disease. Therefore, it has been classified as a Variant of Uncertain Significance.

Johns Hopkins Genomics, Johns Hopkins University
Classification: Uncertain significance for Cystic fibrosis. Last evaluated: 2020-05-06. Review status: criteria provided, single submitter. Criteria: ACMG Guidelines, 2015. Collection method: clinical testing. Allele origin: germline.
Comment: CFTR c.3256A>G has been previously identified in individuals with features of cystic fibrosis, but without the classic phenotype. This CFTR variant (rs373043500) is rare (<0.1%) in a large population dataset (gnomAD: 1/251126 total alleles; 0.0004%; no homozygotes) and is absent from ClinVar. Of three bioinformatics tools queried, one predicts that p.Thr1086Ala would probably be damaging, while two predict that it would be tolerated. The threonine residue at this position is evolutionarily conserved across most species assessed. A different substitution at this residue (p.Thr1086Ser) has been reported by two ClinVar submitters (variation ID: 411123). Due to the lack of phenotype and functional data, we consider the clinical significance of c.3256A>G to be uncertain at this time.

CeGaT Center for Human Genetics Tuebingen
Classification: Uncertain significance. Last evaluated: 2019-12-01. Review status: criteria provided, single submitter. Criteria: CeGaT Center For Human Genetics Tuebingen Variant Classification Criteria Version 2. Collection method: clinical testing. Allele origin: germline. Affected: yes. Observed: 1 variant allele.

Natera, Inc.
Classification: Uncertain significance for CFTR-related disorders. Last evaluated: 2018-05-06. Review status: no assertion criteria provided. Collection method: clinical testing. Allele origin: germline. Not counted in ClinVar's aggregate classification.

Literature cited by the submitters: PubMed 16126774 (cited by 3 submitters); PubMed 20977904 (cited by 3 submitters); PubMed 23712087 (cited by 4 submitters); PubMed 38388235 (cited by Women's Health and Genetics/Laboratory Corporation of America, LabCorp).